The following is an entry in ClinVar:

ClinVar aggregate classification (germline): Likely pathogenic (1 of 4 stars; one submission).

Submission:

CeGaT Center for Human Genetics Tuebingen
Classification: Likely pathogenic. Last evaluated: 2022-10-01. Review status: criteria provided, single submitter. Criteria: CeGaT Center For Human Genetics Tuebingen Variant Classification Criteria Version 2. Collection method: clinical testing. Allele origin: germline. Affected: yes. Observed: 1 variant allele.
Comment: SCN1A: PM2, PM4, PS4:Moderate, PP4

NM_001165963.4(SCN1A):c.53_55del (p.Thr18del)

Gene: SCN1A (sodium voltage-gated channel alpha subunit 1; minus strand). Cytogenetic location: 2q24.3.
Variant type: Deletion.
Coding change: c.53_55del on transcript NM_001165963.4 (MANE Select); coding-DNA positions 53 to 55, 3 bases deleted (CCA; older notation c.53_55delCCA).
Protein change: p.Thr18del; deletes threonine 18.
Molecular consequence: inframe deletion. On other transcripts: 5 prime UTR variant (1), non-coding transcript variant (1).
Genome position (GRCh38, 1-based): chr2:166,073,567-166,073,569, TGG deleted on the plus strand (CCA on the coding strand, the reverse complement: SCN1A is on the minus strand); deleting any 3 consecutive bases within chr2:166,073,567-166,073,571 gives the same sequence; the c. name uses the placement nearest the transcript's 3' end. VCF-style (leftmost placement, unchanged base first): chr2-166073566-CTGG-C. GRCh37 (hg19) VCF-style: chr2-166930076-CTGG-C.
Other names: c.53_55del, p.Thr18del (NM_001353951.2, NM_001353952.2, NM_001353954.2 and 10 more transcripts); c.-2373_-2371del (NM_001353961.2); short protein forms T18del.
Identifiers: ClinVar variation 1879491 (VCV001879491.29), dbSNP rs2468367623, ClinGen allele CA2580064327.